The following is an entry in ClinVar:

ClinVar aggregate classification (germline): Uncertain significance. Review status: criteria provided, single submitter (1 of 4 stars). 2 submissions from 2 submitters: Uncertain significance (1). 1 of the submissions does not count toward it. Last evaluated 2026-01-19.

Conditions:
Nemaline myopathy 2 (NEM2). Also called: Nemaline myopathy 2, autosomal recessive. Identifiers: MedGen C1850569, MONDO:0009725, OMIM 256030.

gnomAD v4.1: 2 of 1,613,348 alleles (0.00012%); highest among the groups gnomAD compares: Admixed American, 0.0033%; no homozygotes.

Submissions (2):

Labcorp Genetics (formerly Invitae), Labcorp
Classification: Uncertain significance for Nemaline myopathy 2. Last evaluated: 2026-01-19. Review status: criteria provided, single submitter. Criteria: Invitae Variant Classification Sherloc (09022015). Collection method: clinical testing. Allele origin: germline.
Comment: This sequence change replaces alanine, which is neutral and non-polar, with serine, which is neutral and polar, at codon 7133 of the NEB protein (p.Ala7133Ser). This variant is not present in population databases (gnomAD no frequency). This variant has not been reported in the literature in individuals affected with NEB-related conditions. ClinVar contains an entry for this variant (Variation ID: 566804). Experimental studies and prediction algorithms are not available or were not evaluated, and the functional significance of this variant is currently unknown. In summary, the available evidence is currently insufficient to determine the role of this variant in disease. Therefore, it has been classified as a Variant of Uncertain Significance.

Natera, Inc.
Classification: Uncertain significance for Nemaline myopathy type 2. Last evaluated: 2025-05-18. Review status: no assertion criteria provided. Collection method: clinical testing. Allele origin: germline. Not counted in ClinVar's aggregate classification.

NM_001164507.2(NEB):c.21397G>T (p.Ala7133Ser)

Genes: NEB (nebulin; minus strand), RIF1 (replication timing regulatory factor 1; plus strand). Cytogenetic location: 2q23.3.
Variant type: single nucleotide variant.
Coding change: c.21397G>T on transcript NM_001164507.2 (MANE Plus Clinical); coding-DNA position 21397, G replaced by T.
Protein change: p.Ala7133Ser; replaces alanine 7133 with serine.
Molecular consequence: missense variant. On other transcripts: intron variant (1).
Genome position (GRCh38, 1-based): chr2:151,534,235, C>A on the plus strand (G>T on the coding strand, the complement: NEB is on the minus strand). VCF-style: chr2-151534235-C-A. GRCh37 (hg19) VCF-style: chr2-152390749-C-A.
Other names: c.21397G>T, p.Ala7133Ser (NM_001271208.2); c.16294G>T, p.Ala5432Ser (NM_004543.5); c.21313-689G>T (NM_001164508.2); short protein forms A7133S, A5432S.
Identifiers: ClinVar variation 566804 (VCV000566804.8), dbSNP rs988993094, ClinGen allele CA348772166.